The following is an entry in ClinVar:

ClinVar aggregate classification (germline): Likely benign (1 of 4 stars; one submission).

Conditions:
SCAPER-related disorder. Also called: SCAPER-related condition.

gnomAD v4.1: 54 of 1,613,708 alleles (0.0033%); highest among the groups gnomAD compares: Non-Finnish European, 0.004%; no homozygotes.

Submission:

PreventionGenetics, part of Exact Sciences
Classification: Likely benign for SCAPER-related condition. Last evaluated: 2025-04-19. Review status: criteria provided, single submitter. Criteria: ACMG Guidelines, 2015. Collection method: clinical testing. Allele origin: germline.
Comment: This variant is classified as likely benign based on ACMG/AMP sequence variant interpretation guidelines (Richards et al. 2015 PMID: 25741868, with internal and published modifications).

NM_020843.4(SCAPER):c.2475C>T (p.Ser825=)

Gene: SCAPER (S-phase cyclin A associated protein in the ER; minus strand). Cytogenetic location: 15q24.3.
Variant type: single nucleotide variant.
Coding change: c.2475C>T on transcript NM_020843.4 (MANE Select); coding-DNA position 2475, C replaced by T.
Protein change: p.Ser825=; no amino-acid change (serine 825 retained).
Molecular consequence: synonymous variant. On other transcripts: non-coding transcript variant (1).
Genome position (GRCh38, 1-based): chr15:76,701,791, G>A on the plus strand (C>T on the coding strand, the complement: SCAPER is on the minus strand). VCF-style: chr15-76701791-G-A. GRCh37 (hg19) VCF-style: chr15-76994132-G-A.
Other names: c.1737C>T, p.Ser579= (NM_001145923.2); c.2493C>T, p.Ser831= (NM_001353009.2); c.2073C>T, p.Ser691= (NM_001353010.2, NM_001353012.2); c.2091C>T, p.Ser697= (NM_001353011.2).
Identifiers: ClinVar variation 4989204 (VCV004989204.1).